The following is an entry in ClinVar:

NM_001005373.4(LRSAM1):c.904-3C>T

Gene: LRSAM1 (leucine rich repeat and sterile alpha motif containing 1; plus strand). Cytogenetic location: 9q33.3.
Variant type: single nucleotide variant.
Coding change: c.904-3C>T on transcript NM_001005373.4 (MANE Select); 3 bases into the intron before coding-DNA position 904, C replaced by T.
Molecular consequence: intron variant.
Genome position (GRCh38, 1-based): chr9:127,479,836, C>T. VCF-style: chr9-127479836-C-T. GRCh37 (hg19) VCF-style: chr9-130242115-C-T.
Other names: c.904-3C>T (NM_138361.5, NM_001384142.1, NM_001384143.1 and 2 more transcripts); c.115-3C>T (NM_001384144.1).
Identifiers: ClinVar variation 2823327 (VCV002823327.4), dbSNP rs2539386595, ClinGen allele CA2739265054.

ClinVar aggregate classification (germline): Conflicting classifications of pathogenicity. Review status: criteria provided, conflicting classifications (1 of 4 stars). 2 submissions from 2 submitters: Uncertain significance (1); Likely benign (1). Last evaluated 2026-08-04.

Conditions:
Charcot-Marie-Tooth disease axonal type 2P. Also called: CHARCOT-MARIE-TOOTH DISEASE, AXONAL, TYPE 2G; CMT 2G; CHARCOT-MARIE-TOOTH NEUROPATHY, TYPE 2P; Charcot-Marie-Tooth Neuropathy Type 2G. Identifiers: Orphanet 300319, Orphanet 99941, MedGen C3280797, MONDO:0013753, OMIM 614436.
LRSAM1-related disorder. Also called: LRSAM1-related condition.

Submissions (2):

PreventionGenetics, part of Exact Sciences
Classification: Likely benign for LRSAM1-related condition. Last evaluated: 2026-08-04. Review status: criteria provided, single submitter. Criteria: ACMG Guidelines, 2015. Collection method: clinical testing. Allele origin: germline.
Comment: This variant is classified as likely benign based on ACMG/AMP sequence variant interpretation guidelines (Richards et al. 2015 PMID: 25741868, with internal and published modifications).

Labcorp Genetics (formerly Invitae), Labcorp
Classification: Uncertain significance for Charcot-Marie-Tooth disease axonal type 2P. Last evaluated: 2023-08-04. Review status: criteria provided, single submitter. Criteria: Invitae Variant Classification Sherloc (09022015). Collection method: clinical testing. Allele origin: germline.
Comment: This sequence change falls in intron 12 of the LRSAM1 gene. It does not directly change the encoded amino acid sequence of the LRSAM1 protein. It affects a nucleotide within the consensus splice site. This variant is not present in population databases (gnomAD no frequency). This variant has not been reported in the literature in individuals affected with LRSAM1-related conditions. Variants that disrupt the consensus splice site are a relatively common cause of aberrant splicing (PMID: 17576681, 9536098). Algorithms developed to predict the effect of sequence changes on RNA splicing suggest that this variant is not likely to affect RNA splicing. In summary, the available evidence is currently insufficient to determine the role of this variant in disease. Therefore, it has been classified as a Variant of Uncertain Significance.

Literature cited by the submitters: PubMed 17576681 (cited by Labcorp Genetics (formerly Invitae), Labcorp); PubMed 9536098 (cited by Labcorp Genetics (formerly Invitae), Labcorp).